The following is an entry in ClinVar:

ClinVar aggregate classification (germline): Uncertain significance (1 of 4 stars; one submission).

Conditions:
Inborn genetic diseases. Identifiers: MedGen C0950123, MeSH D030342.

Allele frequency attached by ClinVar (database versions not stated): gnomAD exomes below 0.00001; ExAC 0.00001; gnomAD 0.00001; TOPMed 0.00001.
gnomAD v4.1: 4 of 1,613,446 alleles (0.00025%); highest among the groups gnomAD compares: Non-Finnish European, 0.00034%; no homozygotes.

Submission:

Ambry Genetics
Classification: Uncertain significance for Inborn genetic diseases. Last evaluated: 2022-06-02. Review status: criteria provided, single submitter. Criteria: Ambry Variant Classification Scheme 2023. Collection method: clinical testing. Allele origin: germline.
Comment: The p.P2745H variant (also known as c.8234C>A), located in coding exon 53 of the DST gene, results from a C to A substitution at nucleotide position 8234. The proline at codon 2745 is replaced by histidine, an amino acid with similar properties. This amino acid position is highly conserved in available vertebrate species. In addition, the in silico prediction for this alteration is inconclusive. Since supporting evidence is limited at this time, the clinical significance of this alteration remains unclear.

NM_001374736.1(DST):c.14591C>A (p.Pro4864His)

Gene: DST (dystonin; minus strand). Cytogenetic location: 6p12.1.
Variant type: single nucleotide variant.
Coding change: c.14591C>A on transcript NM_001374736.1 (MANE Select); coding-DNA position 14591, C replaced by A.
Protein change: p.Pro4864His; replaces proline 4864 with histidine.
Molecular consequence: missense variant.
Genome position (GRCh38, 1-based): chr6:56,557,368, G>T on the plus strand (C>A on the coding strand, the complement: DST is on the minus strand). VCF-style: chr6-56557368-G-T. GRCh37 (hg19) VCF-style: chr6-56422166-G-T.
Other names: c.8234C>A, p.Pro2745His (NM_001144769.5); c.7820C>A, p.Pro2607His (NM_001144770.2); c.14591C>A, p.Pro4864His (NM_001374722.1); c.13958C>A, p.Pro4653His (NM_001374729.1); c.7700C>A, p.Pro2567His (NM_001374730.1, NM_001386100.1, NM_183380.4); c.14618C>A, p.Pro4873His (NM_001374734.1); c.6722C>A, p.Pro2241His (NM_015548.5); short protein forms P2241H, P4864H, P2745H, P4653H, P2567H, P2607H, P4873H.
Identifiers: ClinVar variation 1762565 (VCV001762565.2), dbSNP rs748739263, ClinGen allele CA3867982.